The following is an entry in ClinVar:

ClinVar aggregate classification (germline): Uncertain significance. Review status: criteria provided, multiple submitters, no conflicts (2 of 4 stars). 4 submissions from 4 submitters: Uncertain significance (4). Last evaluated 2024-02-05.

Conditions:
Inborn genetic diseases. Identifiers: MedGen C0950123, MeSH D030342.
Pierson syndrome. Also called: MICROCORIA-CONGENITAL NEPHROTIC SYNDROME. Identifiers: Orphanet 2670, MedGen C1836876, MONDO:0012184, OMIM 609049.
LAMB2-related infantile-onset nephrotic syndrome. Also called: NEPHROTIC SYNDROME, TYPE 5, WITHOUT OCULAR ABNORMALITIES; NEPHROTIC SYNDROME, TYPE 5, WITH OCULAR ABNORMALITIES; Nephrotic Syndrome, type 5. Identifiers: Orphanet 306507, MedGen C3280113, MONDO:0013621, OMIM 614199.

Allele frequency attached by ClinVar (database versions not stated): ExAC 0.00002; gnomAD exomes 0.00003 and 0.00004; TOPMed 0.00004; gnomAD 0.00006 and 0.00007.
gnomAD v4.1: 74 of 1,613,680 alleles (0.0046%); highest among the groups gnomAD compares: Middle Eastern, 0.13%; 1 homozygote.

Submissions (4):

Fulgent Genetics
Classification: Uncertain significance for Pierson syndrome; LAMB2-related infantile-onset nephrotic syndrome. Last evaluated: 2024-02-05. Review status: criteria provided, single submitter. Criteria: ACMG Guidelines, 2015. Collection method: clinical testing. Allele origin: germline.

Ambry Genetics
Classification: Uncertain significance for Inborn genetic diseases. Last evaluated: 2023-12-12. Review status: criteria provided, single submitter. Criteria: Ambry Variant Classification Scheme 2023. Collection method: clinical testing. Allele origin: germline.

Labcorp Genetics (formerly Invitae), Labcorp
Classification: Uncertain significance for LAMB2-related infantile-onset nephrotic syndrome; Pierson syndrome. Last evaluated: 2021-08-27. Review status: criteria provided, single submitter. Criteria: Invitae Variant Classification Sherloc (09022015). Collection method: clinical testing. Allele origin: germline.
Comment: This sequence change replaces arginine with histidine at codon 1157 of the LAMB2 protein (p.Arg1157His). The arginine residue is highly conserved and there is a small physicochemical difference between arginine and histidine. This variant is present in population databases (rs766772811, ExAC 0.01%). This variant has not been reported in the literature in individuals affected with LAMB2-related conditions. ClinVar contains an entry for this variant (Variation ID: 447698). Algorithms developed to predict the effect of missense changes on protein structure and function output the following: SIFT: "Tolerated"; PolyPhen-2: "Benign"; Align-GVGD: "Class C0". The histidine amino acid residue is found in multiple mammalian species, which suggests that this missense change does not adversely affect protein function. In summary, the available evidence is currently insufficient to determine the role of this variant in disease. Therefore, it has been classified as a Variant of Uncertain Significance.

Athena Diagnostics
Classification: Uncertain significance. Last evaluated: 2016-09-29. Review status: criteria provided, single submitter. Criteria: Athena Diagnostics Criteria. Collection method: clinical testing. Allele origin: germline.

NM_002292.4(LAMB2):c.3470G>A (p.Arg1157His)

Gene: LAMB2 (laminin subunit beta 2; minus strand). Cytogenetic location: 3p21.31.
Variant type: single nucleotide variant.
Coding change: c.3470G>A on transcript NM_002292.4 (MANE Select); coding-DNA position 3470, G replaced by A.
Protein change: p.Arg1157His; replaces arginine 1157 with histidine.
Molecular consequence: missense variant.
Genome position (GRCh38, 1-based): chr3:49,124,055, C>T on the plus strand (G>A on the coding strand, the complement: LAMB2 is on the minus strand). VCF-style: chr3-49124055-C-T. GRCh37 (hg19) VCF-style: chr3-49161488-C-T.
Other names: short protein forms R1157H.
Identifiers: ClinVar variation 447698 (VCV000447698.6), dbSNP rs766772811, ClinGen allele CA2394030.
Genomic context (GRCh38, chr3:49,124,055, plus strand): 5'-GCACACTGGTCACAGCGCACACCAGACACCCCTGGGCGGCAGCTGCAGTGACCTGTGAAG[C>T]GGTGACACTGAGGTGTATCTATTCCACGAGAGTCACAATCACAGGCTGCAAGAAAGAGCA-3'
Protein context (NP_002283.3, residues 1147-1167): SRGIDTPQCH[Arg1157His]FTGHCSCRPG